The following is an entry in ClinVar:

NM_000235.4(LIPA):c.1024G>C (p.Gly342Arg)

Gene: LIPA (lipase A, lysosomal acid type; minus strand). Cytogenetic location: 10q23.31.
Variant type: single nucleotide variant.
Coding change: c.1024G>C on transcript NM_000235.4 (MANE Select); coding-DNA position 1024, G replaced by C.
Protein change: p.Gly342Arg; replaces glycine 342 with arginine.
Molecular consequence: missense variant.
Genome position (GRCh38, 1-based): chr10:89,215,004, C>G on the plus strand (G>C on the coding strand, the complement: LIPA is on the minus strand). VCF-style: chr10-89215004-C-G. GRCh37 (hg19) VCF-style: chr10-90974761-C-G.
Other names: c.1024G>C, p.Gly342Arg (NM_001127605.3); c.676G>C, p.Gly226Arg (NM_001288979.2); short protein forms G226R, G342R.
Identifiers: ClinVar variation 1350454 (VCV001350454.8), dbSNP rs776472526, ClinGen allele CA377516311.
Genomic context (GRCh38, chr10:89,215,004, plus strand): 5'-TGGTGATCTGAGTCAGTAAGATATTGACGTCGTAGACATCTGCAAGCCAGTCGTGACCCC[C>G]GCTCCAGACTGCAGTCGGCACAAGCATGTCCTTCACATTGTATGTGGGAGGATAACTCTA-3'
Protein context (NP_000226.2, residues 332-352): DMLVPTAVWS[Gly342Arg]GHDWLADVYD

ClinVar aggregate classification (germline): Pathogenic (1 of 4 stars; one submission).

Conditions:
Wolman disease (WOLD). Also called: Wolman disease with hypolipoproteinemia and acanthocytosis; Acid cholesteryl ester hydrolase deficiency, Wolman type; Acid lipase disease; LYSOSOMAL ACID LIPASE DEFICIENCY, ACUTE INFANTILE; LYSOSOMAL ACID LIPASE DEFICIENCY, COMPLETE; LIPA DEFICIENCY, COMPLETE. Identifiers: Orphanet 75233, MedGen C0043208, MONDO:0019148, OMIM 620151.

Submission:

Labcorp Genetics (formerly Invitae), Labcorp
Classification: Pathogenic for Wolman disease. Last evaluated: 2021-03-16. Review status: criteria provided, single submitter. Criteria: Invitae Variant Classification Sherloc (09022015). Collection method: clinical testing. Allele origin: germline.
Comment: For these reasons, this variant has been classified as Pathogenic. Advanced modeling of protein sequence and biophysical properties (such as structural, functional, and spatial information, amino acid conservation, physicochemical variation, residue mobility, and thermodynamic stability) performed at Invitae indicates that this missense variant is expected to disrupt LIPA protein function. A different variant (c.1024G>A) giving rise to the same protein effect has been determined to be pathogenic (PMID: 10562460, 28881270, 24048164, 23485521). This suggests that this variant is also likely to be causative of disease. This variant is not present in population databases (ExAC no frequency). This sequence change replaces glycine with arginine at codon 342 of the LIPA protein (p.Gly342Arg). The glycine residue is highly conserved and there is a moderate physicochemical difference between glycine and arginine.

Literature cited by the submitters: PubMed 10562460; PubMed 28881270; PubMed 24048164; PubMed 23485521.